The following is an entry in ClinVar:

NM_152680.3(TMEM154):c.537-17_537-5dup

Gene: TMEM154 (transmembrane protein 154; minus strand). Cytogenetic location: 4q31.3.
Variant type: Duplication.
Coding change: c.537-17_537-5dup on transcript NM_152680.3 (MANE Select); 17 bases into the intron before coding-DNA position 537 through 5 bases into the intron before coding-DNA position 537, 13 bases duplicated (TTTTTTTTTTTTT).
Molecular consequence: intron variant.
Genome position (GRCh38, 1-based): chr4:152,628,566-152,628,578, AAAAAAAAAAAAA duplicated on the plus strand (TTTTTTTTTTTTT on the coding strand, the reverse complement: TMEM154 is on the minus strand); duplicating any 13 consecutive bases within chr4:152,628,566-152,628,592 gives the same sequence; the c. name uses the placement nearest the transcript's 3' end. VCF-style (leftmost placement, unchanged base first): chr4-152628565-T-TAAAAAAAAAAAAA. GRCh37 (hg19) VCF-style: chr4-153549717-T-TAAAAAAAAAAAAA.
Identifiers: ClinVar variation 2655133 (VCV002655133.24), dbSNP rs747613909, ClinGen allele CA1069593774.
Genomic context (GRCh38, chr4:152,628,565, plus strand): 5'-CAGGGGCTGCTTCTCTTGGAAAACATGAGCGCCATTCAGGTTTAGGATTCACTGTCACTG[T>TAAAAAAAAAAAAA]AAAAAAAAAAAAAAAAAAAAAAAAAAACAAAAAAAACACACACACACACACAAAACAGTA-3'

ClinVar aggregate classification (germline): Likely benign (1 of 4 stars; one submission).

Submission:

CeGaT Center for Human Genetics Tuebingen
Classification: Likely benign. Last evaluated: 2022-09-01. Review status: criteria provided, single submitter. Criteria: CeGaT Center For Human Genetics Tuebingen Variant Classification Criteria Version 2. Collection method: clinical testing. Allele origin: germline. Affected: yes. Observed: 1 variant allele.
Comment: TMEM154: BP4